The following is an entry in ClinVar:

NM_018389.5(SLC35C1):c.622T>C (p.Cys208Arg)

Gene: SLC35C1 (solute carrier family 35 member C1; plus strand). Cytogenetic location: 11p11.2.
Variant type: single nucleotide variant.
Coding change: c.622T>C on transcript NM_018389.5 (MANE Select); coding-DNA position 622, T replaced by C.
Protein change: p.Cys208Arg; replaces cysteine 208 with arginine.
Molecular consequence: missense variant.
Genome position (GRCh38, 1-based): chr11:45,810,862, T>C. VCF-style: chr11-45810862-T-C. GRCh37 (hg19) VCF-style: chr11-45832413-T-C.
Other names: c.583T>C, p.Cys195Arg (NM_001145265.2, NM_001145266.2); short protein forms C195R, C208R.
Identifiers: ClinVar variation 2007772 (VCV002007772.4), dbSNP rs2494705468, ClinGen allele CA380205592.

ClinVar aggregate classification (germline): Uncertain significance (1 of 4 stars; one submission).

Conditions:
Leukocyte adhesion deficiency type II. Also called: CONGENITAL DISORDER OF GLYCOSYLATION, TYPE IIc; Congenital disorder of glycosylation type 2C; CDG 2C; Leukocyte adhesion deficiency type 2; Rambam Hasharon syndrome; CDG IIc. Identifiers: Orphanet 2968, Orphanet 99843, MedGen C0398739, MONDO:0009953, OMIM 266265.

Submission:

Labcorp Genetics (formerly Invitae), Labcorp
Classification: Uncertain significance for Leukocyte adhesion deficiency type II. Last evaluated: 2022-06-26. Review status: criteria provided, single submitter. Criteria: Invitae Variant Classification Sherloc (09022015). Collection method: clinical testing. Allele origin: germline.
Comment: This sequence change replaces cysteine, which is neutral and slightly polar, with arginine, which is basic and polar, at codon 208 of the SLC35C1 protein (p.Cys208Arg). In summary, the available evidence is currently insufficient to determine the role of this variant in disease. Therefore, it has been classified as a Variant of Uncertain Significance. Algorithms developed to predict the effect of missense changes on protein structure and function are either unavailable or do not agree on the potential impact of this missense change (SIFT: "Deleterious"; PolyPhen-2: "Possibly Damaging"; Align-GVGD: "Class C0"). This variant has not been reported in the literature in individuals affected with SLC35C1-related conditions. This variant is not present in population databases (gnomAD no frequency).